The following is an entry in ClinVar:

NM_000414.4(HSD17B4):c.1499del (p.Asn500fs)

Gene: HSD17B4 (hydroxysteroid 17-beta dehydrogenase 4; plus strand). Cytogenetic location: 5q23.1.
Variant type: Deletion.
Coding change: c.1499del on transcript NM_000414.4 (MANE Select); coding-DNA position 1499, one base deleted (A; older notation c.1499delA).
Protein change: p.Asn500fs; shifts the reading frame from asparagine 500.
Molecular consequence: frameshift variant. On other transcripts: non-coding transcript variant (2).
Genome position (GRCh38, 1-based): chr5:119,515,042, A deleted; the last of 2 consecutive A bases (chr5:119,515,041-119,515,042); deleting either gives the same sequence. VCF-style (leftmost placement, unchanged base first): chr5-119515040-TA-T. GRCh37 (hg19) VCF-style: chr5-118850735-TA-T.
Other names: c.1574del, p.Asn525fs (NM_001199291.3); c.1445del, p.Asn482fs (NM_001199292.2); c.1427del, p.Asn476fs (NM_001292027.2, NM_001374498.1); c.1079del, p.Asn360fs (NM_001292028.2); c.1490del, p.Asn497fs (NM_001374497.1); c.1172del, p.Asn391fs (NM_001374499.1); c.1058del, p.Asn353fs (NM_001374500.1); c.1088del, p.Asn363fs (NM_001374501.1, NM_001374502.1, NM_001374503.1); short protein forms N353fs, N360fs, N363fs, N391fs, N476fs, N482fs, N497fs, N500fs.
Identifiers: ClinVar variation 1071247 (VCV001071247.7), dbSNP rs2126834942, ClinGen allele CA2499217515.

ClinVar aggregate classification (germline): Pathogenic (1 of 4 stars; one submission).

Conditions:
Bifunctional peroxisomal enzyme deficiency (DBIF). Also called: DBP DEFICIENCY; D-bifunctional protein deficiency; PBFE DEFICIENCY. Identifiers: Orphanet 300, MedGen C0342870, MONDO:0009855, OMIM 261515. Disease mechanism: loss of function.
Perrault syndrome. Also called: Gonadal dysgenesis with auditory dysfunction, autosomal recessive inheritance. Identifiers: Orphanet 2855, MedGen C0685838, MONDO:0017312.

Submission:

Labcorp Genetics (formerly Invitae), Labcorp
Classification: Pathogenic for Perrault syndrome; Bifunctional peroxisomal enzyme deficiency. Last evaluated: 2020-07-07. Review status: criteria provided, single submitter. Criteria: Invitae Variant Classification Sherloc (09022015). Collection method: clinical testing. Allele origin: germline.
Comment: For these reasons, this variant has been classified as Pathogenic. Loss-of-function variants in HSD17B4 are known to be pathogenic (PMID: 11810648, 16385454). This variant has not been reported in the literature in individuals with HSD17B4-related conditions. This variant is not present in population databases (ExAC no frequency). This sequence change creates a premature translational stop signal (p.Asn500Ilefs*24) in the HSD17B4 gene. It is expected to result in an absent or disrupted protein product.

Literature cited by the submitters: PubMed 11810648; PubMed 16385454.